The following is an entry in ClinVar:

NM_015346.4(ZFYVE26):c.1006G>A (p.Glu336Lys)

Gene: ZFYVE26 (zinc finger FYVE-type containing 26; minus strand). Cytogenetic location: 14q24.1.
Variant type: single nucleotide variant.
Coding change: c.1006G>A on transcript NM_015346.4 (MANE Select); coding-DNA position 1006, G replaced by A.
Protein change: p.Glu336Lys; replaces glutamic acid 336 with lysine.
Molecular consequence: missense variant.
Genome position (GRCh38, 1-based): chr14:67,806,556, C>T on the plus strand (G>A on the coding strand, the complement: ZFYVE26 is on the minus strand). VCF-style: chr14-67806556-C-T. GRCh37 (hg19) VCF-style: chr14-68273273-C-T.
Other names: c.1006G>A (NM_015346.3); short protein forms E336K.
Identifiers: ClinVar variation 1900074 (VCV001900074.4), dbSNP rs1223040138, ClinGen allele CA390160119.

ClinVar aggregate classification (germline): Uncertain significance. Review status: criteria provided, multiple submitters, no conflicts (2 of 4 stars). 3 submissions from 3 submitters: Uncertain significance (3). Last evaluated 2025-12-15.

Conditions:
Spastic paraplegia. Identifiers: MedGen C0037772, HP:0001258.
Hereditary spastic paraplegia 15 (SPG15). Also called: SPASTIC PARAPLEGIA 15, AUTOSOMAL RECESSIVE; KJELLIN SYNDROME; SPASTIC PARAPLEGIA AND RETINAL DEGENERATION. Identifiers: Orphanet 100996, MedGen C1849128, MONDO:0010044, OMIM 270700.
Inborn genetic diseases. Identifiers: MedGen C0950123, MeSH D030342.

Allele frequency attached by ClinVar (database versions not stated): gnomAD exomes below 0.00001; gnomAD 0.00001.
gnomAD v4.1: 10 of 1,614,030 alleles (0.00062%); highest among the groups gnomAD compares: Non-Finnish European, 0.00068%; no homozygotes.

Submissions (3):

3billion
Classification: Uncertain significance for Hereditary spastic paraplegia 15. Last evaluated: 2025-12-15. Review status: criteria provided, single submitter. Criteria: ACMG Guidelines, 2015. Collection method: clinical testing. Allele origin: germline. Affected: yes.
Comment: The variant is observed at an extremely low frequency in the gnomAD v4.1.0 dataset (total allele frequency: <0.001%). Predicted Consequence/Location: Missense variant. The majority of the known disease-causing variants of this gene are variants expected to result in premature termination of the protein. In silico tool predictions suggest damaging effect of the variant on gene or gene product [3Cnet: 0.87 (> 0.75, sensitivity 0.96 and precision 0.92)]. The variant has been reported as of uncertain significance (ClinVar ID: VCV001900074). Different missense changes at the same codon have been reported as of uncertain significance (ClinVar ID: VCV001025256). Therefore, this variant is classified as VUS according to the recommendation of ACMG/AMP guideline.

Ambry Genetics
Classification: Uncertain significance for Inborn genetic diseases. Last evaluated: 2025-11-24. Review status: criteria provided, single submitter. Criteria: Ambry Variant Classification Scheme 2023. Collection method: clinical testing. Allele origin: germline.

Labcorp Genetics (formerly Invitae), Labcorp
Classification: Uncertain significance for Spastic paraplegia. Last evaluated: 2022-06-15. Review status: criteria provided, single submitter. Criteria: Invitae Variant Classification Sherloc (09022015). Collection method: clinical testing. Allele origin: germline.
Comment: This sequence change replaces glutamic acid, which is acidic and polar, with lysine, which is basic and polar, at codon 336 of the ZFYVE26 protein (p.Glu336Lys). This variant is present in population databases (no rsID available, gnomAD 0.007%). This variant has not been reported in the literature in individuals affected with ZFYVE26-related conditions. Algorithms developed to predict the effect of missense changes on protein structure and function are either unavailable or do not agree on the potential impact of this missense change (SIFT: "Deleterious"; PolyPhen-2: "Probably Damaging"; Align-GVGD: "Class C0"). In summary, the available evidence is currently insufficient to determine the role of this variant in disease. Therefore, it has been classified as a Variant of Uncertain Significance.